The following is an entry in ClinVar:

ClinVar aggregate classification (germline): Uncertain significance (1 of 4 stars; one submission).

Submission:

Labcorp Genetics (formerly Invitae), Labcorp
Classification: Uncertain significance. Last evaluated: 2024-08-17. Review status: criteria provided, single submitter. Criteria: Invitae Variant Classification Sherloc (09022015). Collection method: clinical testing. Allele origin: germline.
Comment: This sequence change replaces proline, which is neutral and non-polar, with serine, which is neutral and polar, at codon 638 of the MYO7A protein (p.Pro638Ser). This variant is not present in population databases (gnomAD no frequency). This variant has not been reported in the literature in individuals affected with MYO7A-related conditions. Invitae Evidence Modeling of protein sequence and biophysical properties (such as structural, functional, and spatial information, amino acid conservation, physicochemical variation, residue mobility, and thermodynamic stability) indicates that this missense variant is expected to disrupt MYO7A protein function with a positive predictive value of 95%. In summary, the available evidence is currently insufficient to determine the role of this variant in disease. Therefore, it has been classified as a Variant of Uncertain Significance.

NM_000260.4(MYO7A):c.1912C>T (p.Pro638Ser)

Gene: MYO7A (myosin VIIA; plus strand). Cytogenetic location: 11q13.5.
Variant type: single nucleotide variant.
Coding change: c.1912C>T on transcript NM_000260.4 (MANE Select); coding-DNA position 1912, C replaced by T.
Protein change: p.Pro638Ser; replaces proline 638 with serine.
Molecular consequence: missense variant.
Genome position (GRCh38, 1-based): chr11:77,172,862, C>T. VCF-style: chr11-77172862-C-T. GRCh37 (hg19) VCF-style: chr11-76883908-C-T.
Other names: c.1912C>T, p.Pro638Ser (NM_001127180.2); c.1879C>T, p.Pro627Ser (NM_001369365.1); short protein forms P627S, P638S.
Identifiers: ClinVar variation 3627613 (VCV003627613.2).